The following is an entry in ClinVar:

ClinVar aggregate classification (germline): Uncertain significance (1 of 4 stars; one submission).

Allele frequency attached by ClinVar (database versions not stated): gnomAD exomes below 0.00001; ExAC 0.00002; TOPMed 0.00003; gnomAD 0.00004; ESP Exome Variant Server 0.00008.
gnomAD v4.1: 9 of 1,613,844 alleles (0.00056%); highest among the groups gnomAD compares: African/African-American, 0.011%; no homozygotes.

Submission:

Labcorp Genetics (formerly Invitae), Labcorp
Classification: Uncertain significance. Last evaluated: 2022-09-18. Review status: criteria provided, single submitter. Criteria: Invitae Variant Classification Sherloc (09022015). Collection method: clinical testing. Allele origin: germline.
Comment: This sequence change replaces valine, which is neutral and non-polar, with isoleucine, which is neutral and non-polar, at codon 406 of the SRP54 protein (p.Val406Ile). This variant is present in population databases (rs370656783, gnomAD 0.02%). This variant has not been reported in the literature in individuals affected with SRP54-related conditions. Advanced modeling of protein sequence and biophysical properties (such as structural, functional, and spatial information, amino acid conservation, physicochemical variation, residue mobility, and thermodynamic stability) performed at Invitae indicates that this missense variant is not expected to disrupt SRP54 protein function. In summary, the available evidence is currently insufficient to determine the role of this variant in disease. Therefore, it has been classified as a Variant of Uncertain Significance.

NM_003136.4(SRP54):c.1216G>A (p.Val406Ile)

Gene: SRP54 (signal recognition particle 54; plus strand). Cytogenetic location: 14q13.2.
Variant type: single nucleotide variant.
Coding change: c.1216G>A on transcript NM_003136.4 (MANE Select); coding-DNA position 1216, G replaced by A.
Protein change: p.Val406Ile; replaces valine 406 with isoleucine.
Molecular consequence: missense variant.
Genome position (GRCh38, 1-based): chr14:35,022,969, G>A. VCF-style: chr14-35022969-G-A. GRCh37 (hg19) VCF-style: chr14-35492175-G-A.
Other names: c.1069G>A, p.Val357Ile (NM_001146282.2); short protein forms V357I, V406I.
Identifiers: ClinVar variation 2172099 (VCV002172099.4), dbSNP rs370656783, ClinGen allele CA7153806.